The following is an entry in ClinVar:

NM_030940.4(ISCA1):c.206C>T (p.Thr69Ile)

Gene: ISCA1 (iron-sulfur cluster assembly 1; minus strand). Cytogenetic location: 9q21.33.
Variant type: single nucleotide variant.
Coding change: c.206C>T on transcript NM_030940.4 (MANE Select); coding-DNA position 206, C replaced by T.
Protein change: p.Thr69Ile; replaces threonine 69 with isoleucine.
Molecular consequence: missense variant.
Genome position (GRCh38, 1-based): chr9:86,272,042, G>A on the plus strand (C>T on the coding strand, the complement: ISCA1 is on the minus strand). VCF-style: chr9-86272042-G-A. GRCh37 (hg19) VCF-style: chr9-88886957-G-A.
Other names: short protein forms T69I.
Identifiers: ClinVar variation 2044256 (VCV002044256.4), dbSNP rs1194713969, ClinGen allele CA373946809.

ClinVar aggregate classification (germline): Uncertain significance (1 of 4 stars; one submission).

Allele frequency attached by ClinVar (database versions not stated): TOPMed 0.00001.

Submission:

Labcorp Genetics (formerly Invitae), Labcorp
Classification: Uncertain significance. Last evaluated: 2022-07-30. Review status: criteria provided, single submitter. Criteria: Invitae Variant Classification Sherloc (09022015). Collection method: clinical testing. Allele origin: germline.
Comment: This sequence change replaces threonine, which is neutral and polar, with isoleucine, which is neutral and non-polar, at codon 69 of the ISCA1 protein (p.Thr69Ile). The frequency data for this variant in the population databases is considered unreliable, as metrics indicate poor data quality at this position in the gnomAD database. This variant has not been reported in the literature in individuals affected with ISCA1-related conditions. Algorithms developed to predict the effect of missense changes on protein structure and function (SIFT, PolyPhen-2, Align-GVGD) all suggest that this variant is likely to be tolerated. In summary, the available evidence is currently insufficient to determine the role of this variant in disease. Therefore, it has been classified as a Variant of Uncertain Significance.